The following is an entry in ClinVar:

NM_004168.4(SDHA):c.427A>C (p.Thr143Pro)

Gene: SDHA (succinate dehydrogenase complex flavoprotein subunit A; plus strand). Cytogenetic location: 5p15.33.
Variant type: single nucleotide variant.
Coding change: c.427A>C on transcript NM_004168.4 (MANE Select); coding-DNA position 427, A replaced by C.
Protein change: p.Thr143Pro; replaces threonine 143 with proline.
Molecular consequence: missense variant. On other transcripts: intron variant (1).
Genome position (GRCh38, 1-based): chr5:225,533, A>C. VCF-style: chr5-225533-A-C. GRCh37 (hg19) VCF-style: chr5-225648-A-C.
Other names: c.427A>C, p.Thr143Pro (NM_001330758.2); c.313-350A>C (NM_001294332.2); short protein forms T143P.
Identifiers: ClinVar variation 2452793 (VCV002452793.3), dbSNP rs2126547529, ClinGen allele CA359009617.
Genomic context (GRCh38, chr5:225,533, plus strand): 5'-TTCTACGACACCGTGAAGGGCTCCGACTGGCTGGGGGACCAGGATGCCATCCACTACATG[A>C]CGGAGCAGGCCCCCGCCGCCGTGGTCGAGGTGATGGGCGGGAGGCTCTGGGTGTTCTCGT-3'
Protein context (NP_004159.2, residues 133-153): LGDQDAIHYM[Thr143Pro]EQAPAAVVEL

ClinVar aggregate classification (germline): Uncertain significance (1 of 4 stars; one submission).

Conditions:
Hereditary cancer-predisposing syndrome. Also called: Tumor predisposition; Hereditary Cancer Syndrome; Hereditary neoplastic syndrome; Neoplastic Syndromes, Hereditary. Identifiers: Orphanet 140162, MedGen C0027672, MeSH D009386, MONDO:0015356.

Submission:

Ambry Genetics
Classification: Uncertain significance for Hereditary cancer-predisposing syndrome. Last evaluated: 2026-06-02. Review status: criteria provided, single submitter. Criteria: Ambry Variant Classification Scheme 2023. Collection method: clinical testing. Allele origin: germline.
Comment: The p.T143P variant (also known as c.427A>C), located in coding exon 4 of the SDHA gene, results from an A to C substitution at nucleotide position 427. The threonine at codon 143 is replaced by proline, an amino acid with highly similar properties. This amino acid position is highly conserved in available vertebrate species. In addition, this alteration is predicted to be deleterious by in silico analysis. Based on the available evidence, the clinical significance of this variant remains unclear.